The following is an entry in ClinVar:

ClinVar aggregate classification (germline): Uncertain significance (1 of 4 stars; one submission).

Submission:

Labcorp Genetics (formerly Invitae), Labcorp
Classification: Uncertain significance. Last evaluated: 2023-12-02. Review status: criteria provided, single submitter. Criteria: Invitae Variant Classification Sherloc (09022015). Collection method: clinical testing. Allele origin: germline.
Comment: This sequence change replaces leucine, which is neutral and non-polar, with valine, which is neutral and non-polar, at codon 873 of the NFKB1 protein (p.Leu873Val). This variant is not present in population databases (gnomAD no frequency). This variant has not been reported in the literature in individuals affected with NFKB1-related conditions. Advanced modeling of protein sequence and biophysical properties (such as structural, functional, and spatial information, amino acid conservation, physicochemical variation, residue mobility, and thermodynamic stability) performed at Invitae indicates that this missense variant is not expected to disrupt NFKB1 protein function with a negative predictive value of 80%. In summary, the available evidence is currently insufficient to determine the role of this variant in disease. Therefore, it has been classified as a Variant of Uncertain Significance.

NM_003998.4(NFKB1):c.2617C>G (p.Leu873Val)

Gene: NFKB1 (nuclear factor kappa B subunit 1; plus strand). Cytogenetic location: 4q24.
Variant type: single nucleotide variant.
Coding change: c.2617C>G on transcript NM_003998.4 (MANE Select); coding-DNA position 2617, C replaced by G.
Protein change: p.Leu873Val; replaces leucine 873 with valine.
Molecular consequence: missense variant.
Genome position (GRCh38, 1-based): chr4:102,613,449, C>G. VCF-style: chr4-102613449-C-G. GRCh37 (hg19) VCF-style: chr4-103534606-C-G.
Other names: c.2614C>G, p.Leu872Val (NM_001165412.2, NM_001319226.2, NM_001382627.1); c.2617C>G, p.Leu873Val (NM_001382625.1, NM_001382626.1); c.2575C>G, p.Leu859Val (NM_001382628.1); short protein forms L873V, L872V, L859V.
Identifiers: ClinVar variation 2801554 (VCV002801554.3), dbSNP rs535632370, ClinGen allele CA357755001.
Genomic context (GRCh38, chr4:102,613,449, plus strand): 5'-ACAAGAACATGCTCCTCCTTCCTTTCTTTCTCACAGGTCTCTGGGGGTACAGTCAGAGAG[C>G]TGGTGGAGGCCCTGAGACAAATGGGCTACACCGAAGCAATTGAAGTGATCCAGGCAGCCT-3'
Protein context (NP_003989.2, residues 863-883): YEVSGGTVRE[Leu873Val]VEALRQMGYT